The following is an entry in ClinVar:

ClinVar aggregate classification (germline): Likely benign (0 of 4 stars; one submission).

Conditions:
ZNF292-related disorder. Also called: ZNF292-related condition.

Allele frequency attached by ClinVar (database versions not stated): gnomAD 0.00001.
gnomAD v4.1: 1 of 1,613,602 alleles (0.000062%); highest among the groups gnomAD compares: African/African-American, 0.0013%; no homozygotes.

Submission:

PreventionGenetics, part of Exact Sciences
Classification: Likely benign for ZNF292-related condition. Last evaluated: 2023-04-06. Review status: no assertion criteria provided. Collection method: clinical testing. Allele origin: germline.
Comment: This variant is classified as likely benign based on ACMG/AMP sequence variant interpretation guidelines (Richards et al. 2015 PMID: 25741868, with internal and published modifications).

NM_015021.3(ZNF292):c.3339G>A (p.Gln1113=)

Gene: ZNF292 (zinc finger protein 292; plus strand). Cytogenetic location: 6q14.3.
Variant type: single nucleotide variant.
Coding change: c.3339G>A on transcript NM_015021.3 (MANE Select); coding-DNA position 3339, G replaced by A.
Protein change: p.Gln1113=; no amino-acid change (glutamine 1113 retained).
Molecular consequence: synonymous variant.
Genome position (GRCh38, 1-based): chr6:87,256,968, G>A. VCF-style: chr6-87256968-G-A. GRCh37 (hg19) VCF-style: chr6-87966686-G-A.
Other names: c.2919G>A, p.Gln973= (NM_001351444.2).
Identifiers: ClinVar variation 3053560 (VCV003053560.2), dbSNP rs1775257037, ClinGen allele CA451343826.